The following is an entry in ClinVar:

ClinVar aggregate classification (germline): Uncertain significance (1 of 4 stars; one submission).

Conditions:
Inborn genetic diseases. Identifiers: MedGen C0950123, MeSH D030342.

Allele frequency attached by ClinVar (database versions not stated): ExAC 0.00002; TOPMed 0.00002; gnomAD 0.00003; gnomAD exomes 0.00003.
gnomAD v4.1: 48 of 1,550,030 alleles (0.0031%); highest among the groups gnomAD compares: Middle Eastern, 0.034%; no homozygotes.

Submission:

Ambry Genetics
Classification: Uncertain significance for Inborn genetic diseases. Last evaluated: 2023-11-21. Review status: criteria provided, single submitter. Criteria: Ambry Variant Classification Scheme 2023. Collection method: clinical testing. Allele origin: germline.
Comment: The c.1532A>G (p.Y511C) alteration is located in exon 14 (coding exon 11) of the FOCAD gene. This alteration results from an A to G substitution at nucleotide position 1532, causing the tyrosine (Y) at amino acid position 511 to be replaced by a cysteine (C). Based on data from gnomAD, the G allele has an overall frequency of 0.003% (6/244610) total alleles studied. The highest observed frequency was 0.009% (2/22158) of African alleles. This amino acid position is highly conserved in available vertebrate species. This alteration is predicted to be tolerated by in silico analysis. Based on insufficient or conflicting evidence, the clinical significance of this alteration remains unclear.

NM_001375567.1(FOCAD):c.1532A>G (p.Tyr511Cys)

Gene: FOCAD (focadhesin; plus strand). Cytogenetic location: 9p21.3.
Variant type: single nucleotide variant.
Coding change: c.1532A>G on transcript NM_001375567.1 (MANE Select); coding-DNA position 1532, A replaced by G.
Protein change: p.Tyr511Cys; replaces tyrosine 511 with cysteine.
Molecular consequence: missense variant. On other transcripts: intron variant (1).
Genome position (GRCh38, 1-based): chr9:20,819,872, A>G. VCF-style: chr9-20819872-A-G. GRCh37 (hg19) VCF-style: chr9-20819871-A-G.
Other names: c.1427A>G, p.Tyr476Cys (NM_001375570.1); c.1532A>G, p.Tyr511Cys (NM_017794.5); c.1456-452A>G (NM_001375568.1); short protein forms Y476C, Y511C.
Identifiers: ClinVar variation 3096172 (VCV003096172.1), dbSNP rs757691743, ClinGen allele CA5006744.